The following is an entry in ClinVar:

ClinVar aggregate classification (germline): Uncertain significance. Review status: criteria provided, multiple submitters, no conflicts (2 of 4 stars). 2 submissions from 2 submitters: Uncertain significance (2). Last evaluated 2025-12-16.

Conditions:
Glycogen storage disease due to muscle and heart glycogen synthase deficiency. Also called: GSD 0b; MUSCLE GLYCOGEN SYNTHASE DEFICIENCY. Identifiers: Orphanet 137625, MedGen C1969054, MONDO:0012693, OMIM 611556.
Inborn genetic diseases. Identifiers: MedGen C0950123, MeSH D030342.

Allele frequency attached by ClinVar (database versions not stated): ExAC 0.00004; gnomAD 0.00004; gnomAD exomes 0.00005; ESP Exome Variant Server 0.00015.
gnomAD v4.1: 84 of 1,613,962 alleles (0.0052%); highest among the groups gnomAD compares: Non-Finnish European, 0.0065%; no homozygotes.

Submissions (2):

Ambry Genetics
Classification: Uncertain significance for Inborn genetic diseases. Last evaluated: 2025-12-16. Review status: criteria provided, single submitter. Criteria: Ambry Variant Classification Scheme 2023. Collection method: clinical testing. Allele origin: germline.

Labcorp Genetics (formerly Invitae), Labcorp
Classification: Uncertain significance for Glycogen storage disease due to muscle and heart glycogen synthase deficiency. Last evaluated: 2022-02-27. Review status: criteria provided, single submitter. Criteria: Invitae Variant Classification Sherloc (09022015). Collection method: clinical testing. Allele origin: germline.
Comment: This sequence change replaces threonine, which is neutral and polar, with isoleucine, which is neutral and non-polar, at codon 84 of the GYS1 protein (p.Thr84Ile). This variant is present in population databases (rs143186691, gnomAD 0.007%). This variant has not been reported in the literature in individuals affected with GYS1-related conditions. Algorithms developed to predict the effect of missense changes on protein structure and function (SIFT, PolyPhen-2, Align-GVGD) all suggest that this variant is likely to be tolerated. In summary, the available evidence is currently insufficient to determine the role of this variant in disease. Therefore, it has been classified as a Variant of Uncertain Significance.

NM_002103.5(GYS1):c.251C>T (p.Thr84Ile)

Gene: GYS1 (glycogen synthase 1; minus strand). Cytogenetic location: 19q13.33.
Variant type: single nucleotide variant.
Coding change: c.251C>T on transcript NM_002103.5 (MANE Select); coding-DNA position 251, C replaced by T.
Protein change: p.Thr84Ile; replaces threonine 84 with isoleucine.
Molecular consequence: missense variant.
Genome position (GRCh38, 1-based): chr19:48,991,351, G>A on the plus strand (C>T on the coding strand, the complement: GYS1 is on the minus strand). VCF-style: chr19-48991351-G-A. GRCh37 (hg19) VCF-style: chr19-49494608-G-A.
Other names: c.251C>T, p.Thr84Ile (NM_001161587.2); c.251C>T (NM_002103.4); short protein forms T84I.
Identifiers: ClinVar variation 1383060 (VCV001383060.6), dbSNP rs143186691, ClinGen allele CA9563412.